The following is an entry in ClinVar:

NM_024408.4(NOTCH2):c.6943A>G (p.Ile2315Val)

Gene: NOTCH2 (notch receptor 2; minus strand). Cytogenetic location: 1p12.
Variant type: single nucleotide variant.
Coding change: c.6943A>G on transcript NM_024408.4 (MANE Select); coding-DNA position 6943, A replaced by G.
Protein change: p.Ile2315Val; replaces isoleucine 2315 with valine.
Molecular consequence: missense variant.
Genome position (GRCh38, 1-based): chr1:119,915,779, T>C on the plus strand (A>G on the coding strand, the complement: NOTCH2 is on the minus strand). VCF-style: chr1-119915779-T-C. GRCh37 (hg19) VCF-style: chr1-120458402-T-C.
Other names: short protein forms I2315V.
Identifiers: ClinVar variation 3676956 (VCV003676956.2).

ClinVar aggregate classification (germline): Uncertain significance (1 of 4 stars; one submission).

Conditions:
Hajdu-Cheney syndrome (HJCYS). Also called: Acroosteolysis dominant type; SERPENTINE FIBULA-POLYCYSTIC KIDNEY SYNDROME; ACROOSTEOLYSIS WITH OSTEOPOROSIS AND CHANGES IN SKULL AND MANDIBLE. Identifiers: Orphanet 955, MedGen C0917715, MONDO:0007057, OMIM 102500.

gnomAD v4.1: 11 of 1,610,644 alleles (0.00068%); highest among the groups gnomAD compares: South Asian, 0.012%; no homozygotes.

Submission:

Labcorp Genetics (formerly Invitae), Labcorp
Classification: Uncertain significance for Hajdu-Cheney syndrome. Last evaluated: 2024-11-27. Review status: criteria provided, single submitter. Criteria: Invitae Variant Classification Sherloc (09022015). Collection method: clinical testing. Allele origin: germline.
Comment: This sequence change replaces isoleucine, which is neutral and non-polar, with valine, which is neutral and non-polar, at codon 2315 of the NOTCH2 protein (p.Ile2315Val). This variant is present in population databases (rs774696200, gnomAD 0.02%). This variant has not been reported in the literature in individuals affected with NOTCH2-related conditions. Invitae Evidence Modeling of protein sequence and biophysical properties (such as structural, functional, and spatial information, amino acid conservation, physicochemical variation, residue mobility, and thermodynamic stability) indicates that this missense variant is not expected to disrupt NOTCH2 protein function with a negative predictive value of 80%. In summary, the available evidence is currently insufficient to determine the role of this variant in disease. Therefore, it has been classified as a Variant of Uncertain Significance.